The following is an entry in ClinVar:

ClinVar aggregate classification (germline): Benign. Review status: criteria provided, multiple submitters, no conflicts (2 of 4 stars). 4 submissions from 4 submitters: Benign (4). Last evaluated 2026-02-04.

Allele frequency attached by ClinVar (database versions not stated): 1000 Genomes Project 0.04273; ESP Exome Variant Server 0.05920; 1000 Genomes Project 30x 0.04060.
gnomAD v4.1: 122,042 of 1,607,770 alleles (7.6%); highest among the groups gnomAD compares: Non-Finnish European, 8.3%; 5,344 homozygotes.

Submissions (4):

Labcorp Genetics (formerly Invitae), Labcorp
Classification: Benign. Last evaluated: 2026-02-04. Review status: criteria provided, single submitter. Criteria: Invitae Variant Classification Sherloc (09022015). Collection method: clinical testing. Allele origin: germline.

Mayo Clinic Laboratories, Mayo Clinic
Classification: Benign. Last evaluated: 2022-10-20. Review status: criteria provided, single submitter. Criteria: ACMG Guidelines, 2015. Collection method: clinical testing. Allele origin: germline. Observed: 21 variant alleles.
Comment: BA1, BP4

GeneDx
Classification: Benign. Last evaluated: 2021-05-05. Review status: criteria provided, single submitter. Criteria: GeneDx Variant Classification Process June 2021. Collection method: clinical testing. Allele origin: germline. Affected: yes.
Comment: This variant is associated with the following publications: (PMID: 21835309)

Breakthrough Genomics
Classification: Benign. Review status: criteria provided, single submitter. Criteria: ACMG Guidelines, 2015. Collection method: not provided. Allele origin: germline. Inheritance: Autosomal recessive inheritance. Affected: yes.

NM_015650.4(TRAF3IP1):c.1858A>C (p.Met620Leu)

Gene: TRAF3IP1 (TRAF3 interacting protein 1; plus strand). Cytogenetic location: 2q37.3.
Variant type: single nucleotide variant.
Coding change: c.1858A>C on transcript NM_015650.4 (MANE Select); coding-DNA position 1858, A replaced by C.
Protein change: p.Met620Leu; replaces methionine 620 with leucine.
Molecular consequence: missense variant.
Genome position (GRCh38, 1-based): chr2:238,397,627, A>C. VCF-style: chr2-238397627-A-C. GRCh37 (hg19) VCF-style: chr2-239306268-A-C.
Other names: p.Met620Leu; c.1660A>C, p.Met554Leu (NM_001139490.1); short protein forms M554L, M620L.
Identifiers: ClinVar variation 1166906 (VCV001166906.12), dbSNP rs3739070, ClinGen allele CA2198590.